The following is an entry in ClinVar:

NM_001112741.2(KCNC1):c.430G>A (p.Asp144Asn)

Gene: KCNC1 (potassium voltage-gated channel subfamily C member 1; plus strand). Cytogenetic location: 11p15.1.
Variant type: single nucleotide variant.
Coding change: c.430G>A on transcript NM_001112741.2 (MANE Select); coding-DNA position 430, G replaced by A.
Protein change: p.Asp144Asn; replaces aspartic acid 144 with asparagine.
Molecular consequence: missense variant.
Genome position (GRCh38, 1-based): chr11:17,736,432, G>A. VCF-style: chr11-17736432-G-A. GRCh37 (hg19) VCF-style: chr11-17757979-G-A.
Other names: c.430G>A, p.Asp144Asn (NM_004976.4); short protein forms D144N.
Identifiers: ClinVar variation 3773830 (VCV003773830.1).

ClinVar aggregate classification (germline): Likely pathogenic (1 of 4 stars; one submission).

Conditions:
KCNC1-related disorder. Also called: KCNC1-related condition; KCNC1-Related Disorders. Identifiers: MedGen CN381541.

Submission:

Rady Children's Institute for Genomic Medicine, Rady Children's Hospital San Diego
Classification: Likely pathogenic for KCNC1-related disorder. Last evaluated: 2024-09-18. Review status: criteria provided, single submitter. Criteria: ACMG Guidelines, 2015. Collection method: clinical testing. Allele origin: germline. Affected: yes.
Comment: The KCNC1 gene is highly constrained (Z-score= 5.18 and pLI = 1), which suggests it is intolerant to variation. The c.430G>A (p.Asp144Asn) variant affects a moderately conserved amino acid and in silico tools used to predict the effect of this variant on protein function yield discordant results. This variant has not been previously reported or functionally characterized in the literature to our knowledge. The c.430G>A (p.Asp144Asn) variant is present in the latest version of the gnomAD population database at an allele frequency of 0.0001% (2/1606088) and thus is presumed to be rare. Based on parental analysis, this variant likely occurred as a de novo event. Based on the available evidence, c.430G>A (p.Asp144Asn) is classified as Likely Pathogenic.